The following is an entry in ClinVar:

ClinVar aggregate classification (germline): Uncertain significance (1 of 4 stars; one submission).

Conditions:
Facioscapulohumeral muscular dystrophy 2 (FSHD2). Also called: FACIOSCAPULOHUMERAL MUSCULAR DYSTROPHY 2, DIGENIC; FSHD2, DIGENIC; MUSCULAR DYSTROPHY, FACIOSCAPULOHUMERAL, TYPE 1B. Identifiers: Orphanet 269, MedGen C1834671, MONDO:0008031, OMIM 158901.

Submission:

Labcorp Genetics (formerly Invitae), Labcorp
Classification: Uncertain significance for Facioscapulohumeral muscular dystrophy 2. Last evaluated: 2021-10-13. Review status: criteria provided, single submitter. Criteria: Invitae Variant Classification Sherloc (09022015). Collection method: clinical testing. Allele origin: germline.
Comment: This variant has not been reported in the literature in individuals affected with SMCHD1-related conditions. This sequence change replaces glutamic acid with lysine at codon 603 of the SMCHD1 protein (p.Glu603Lys). The glutamic acid residue is highly conserved and there is a small physicochemical difference between glutamic acid and lysine. This variant is not present in population databases (ExAC no frequency). In summary, the available evidence is currently insufficient to determine the role of this variant in disease. Therefore, it has been classified as a Variant of Uncertain Significance. Algorithms developed to predict the effect of missense changes on protein structure and function (SIFT, PolyPhen-2, Align-GVGD) all suggest that this variant is likely to be disruptive.

NM_015295.3(SMCHD1):c.1807G>A (p.Glu603Lys)

Gene: SMCHD1 (structural maintenance of chromosomes flexible hinge domain containing 1; plus strand). Cytogenetic location: 18p11.32.
Variant type: single nucleotide variant.
Coding change: c.1807G>A on transcript NM_015295.3 (MANE Select); coding-DNA position 1807, G replaced by A.
Protein change: p.Glu603Lys; replaces glutamic acid 603 with lysine.
Molecular consequence: missense variant.
Genome position (GRCh38, 1-based): chr18:2,703,851, G>A. VCF-style: chr18-2703851-G-A. GRCh37 (hg19) VCF-style: chr18-2703849-G-A.
Other names: short protein forms E603K.
Identifiers: ClinVar variation 1523622 (VCV001523622.6), dbSNP rs2143214594, ClinGen allele CA401678598.